The following is an entry in ClinVar:

NM_002691.4(POLD1):c.485G>T (p.Gly162Val)

Gene: POLD1 (DNA polymerase delta 1, catalytic subunit; plus strand). Cytogenetic location: 19q13.33.
Variant type: single nucleotide variant.
Coding change: c.485G>T on transcript NM_002691.4 (MANE Select); coding-DNA position 485, G replaced by T.
Protein change: p.Gly162Val; replaces glycine 162 with valine.
Molecular consequence: missense variant. On other transcripts: non-coding transcript variant (1).
Genome position (GRCh38, 1-based): chr19:50,402,020, G>T. VCF-style: chr19-50402020-G-T. GRCh37 (hg19) VCF-style: chr19-50905277-G-T.
Other names: c.485G>T, p.Gly162Val (NM_001256849.1, NM_001308632.1); c.485G>T (NM_002691.2); short protein forms G162V.
Identifiers: ClinVar variation 408083 (VCV000408083.10), dbSNP rs1060501844, ClinGen allele CA16616114.

ClinVar aggregate classification (germline): Conflicting classifications of pathogenicity. Review status: criteria provided, conflicting classifications (1 of 4 stars). 2 submissions from 2 submitters: Uncertain significance (1); Likely benign (1). Last evaluated 2025-08-17.

Conditions:
Hereditary cancer-predisposing syndrome. Also called: Neoplastic Syndromes, Hereditary; Hereditary neoplastic syndrome; Hereditary Cancer Syndrome; Tumor predisposition. Identifiers: Orphanet 140162, MedGen C0027672, MeSH D009386, MONDO:0015356.
POLD1-related polyposis and colorectal cancer syndrome (CRCS10). Also called: Colorectal cancer, susceptibility to, 10; Colorectal cancer 10; COLORECTAL CANCER, SUSCEPTIBILITY TO, ON CHROMOSOME 19q. Identifiers: Orphanet 220460, MedGen C2675481, MONDO:0012953, OMIM 612591.

Allele frequency attached by ClinVar (database versions not stated): gnomAD exomes 0.00001.

Submissions (2):

Labcorp Genetics (formerly Invitae), Labcorp
Classification: Uncertain significance for POLD1-related polyposis and colorectal cancer syndrome. Last evaluated: 2025-08-17. Review status: criteria provided, single submitter. Criteria: Invitae Variant Classification Sherloc (09022015). Collection method: clinical testing. Allele origin: germline.
Comment: This sequence change replaces glycine, which is neutral and non-polar, with valine, which is neutral and non-polar, at codon 162 of the POLD1 protein (p.Gly162Val). This variant is not present in population databases (gnomAD no frequency). This variant has not been reported in the literature in individuals affected with POLD1-related conditions. ClinVar contains an entry for this variant (Variation ID: 408083). Invitae Evidence Modeling of protein sequence and biophysical properties (such as structural, functional, and spatial information, amino acid conservation, physicochemical variation, residue mobility, and thermodynamic stability) indicates that this missense variant is not expected to disrupt POLD1 protein function with a negative predictive value of 80%. In summary, the available evidence is currently insufficient to determine the role of this variant in disease. Therefore, it has been classified as a Variant of Uncertain Significance.

Ambry Genetics
Classification: Likely benign for Hereditary cancer-predisposing syndrome. Last evaluated: 2024-12-12. Review status: criteria provided, single submitter. Criteria: Ambry Variant Classification Scheme 2023. Collection method: clinical testing. Allele origin: germline.